The following is an entry in ClinVar:

NM_017514.5(PLXNA3):c.471G>T (p.Glu157Asp)

Gene: PLXNA3 (plexin A3; plus strand). Cytogenetic location: Xq28.
Variant type: single nucleotide variant.
Coding change: c.471G>T on transcript NM_017514.5 (MANE Select); coding-DNA position 471, G replaced by T.
Protein change: p.Glu157Asp; replaces glutamic acid 157 with aspartic acid.
Molecular consequence: missense variant.
Genome position (GRCh38, 1-based): chrX:154,460,654, G>T. VCF-style: chrX-154460654-G-T. GRCh37 (hg19) VCF-style: chrX-153688994-G-T.
Other names: short protein forms E157D.
Identifiers: ClinVar variation 5000400 (VCV005000400.1).
Genomic context (GRCh38, chrX:154,460,654, plus strand): 5'-CAAGGAGCACTACCTGTCGGGGGCCCAGGAGCCCGACTCCATGGCTGGTGTCATTGTGGA[G>T]CAGGGCCAGGGGCCCAGCAAGCTGTTTGTGGGCACTGCTGTCGACGGCAAGTCGGAGTAC-3'
Protein context (NP_059984.3, residues 147-167): EPDSMAGVIV[Glu157Asp]QGQGPSKLFV

ClinVar aggregate classification (germline): Uncertain significance (1 of 4 stars; one submission).

Conditions:
PLXNA3-related disorder. Also called: PLXNA3-related condition.

Submission:

PreventionGenetics, part of Exact Sciences
Classification: Uncertain significance for PLXNA3-related condition. Last evaluated: 2025-01-02. Review status: criteria provided, single submitter. Criteria: ACMG Guidelines, 2015. Collection method: clinical testing. Allele origin: germline.
Comment: The PLXNA3 c.471G>T variant is predicted to result in the amino acid substitution p.Glu157Asp. To our knowledge, this variant has not been reported in the literature or in a large population database (gnomAD), indicating this variant is rare. At this time, the clinical significance of this variant is uncertain due to the absence of conclusive functional and genetic evidence.